The following is an entry in ClinVar:

NM_000256.3(MYBPC3):c.3332A>G (p.Glu1111Gly)

Gene: MYBPC3 (myosin binding protein C3; minus strand). Cytogenetic location: 11p11.2.
Variant type: single nucleotide variant.
Coding change: c.3332A>G on transcript NM_000256.3 (MANE Select); coding-DNA position 3332, A replaced by G.
Protein change: p.Glu1111Gly; replaces glutamic acid 1111 with glycine.
Molecular consequence: missense variant.
Genome position (GRCh38, 1-based): chr11:47,332,972, T>C on the plus strand (A>G on the coding strand, the complement: MYBPC3 is on the minus strand). VCF-style: chr11-47332972-T-C. GRCh37 (hg19) VCF-style: chr11-47354523-T-C.
Other names: short protein forms E1111G.
Identifiers: ClinVar variation 1303021 (VCV001303021.7), dbSNP rs2142850441, ClinGen allele CA380313875.

ClinVar aggregate classification (germline): Uncertain significance. Review status: criteria provided, multiple submitters, no conflicts (2 of 4 stars). 2 submissions from 2 submitters: Uncertain significance (2). Last evaluated 2026-09-04.

Conditions:
Hypertrophic cardiomyopathy. Also called: HYPERTROPHIC MYOCARDIOPATHY. Identifiers: Orphanet 217569, MedGen C0007194, MeSH D002312, MONDO:0005045, HP:0001639.

Submissions (2):

GeneDx
Classification: Uncertain significance. Last evaluated: 2026-09-04. Review status: criteria provided, single submitter. Criteria: GeneDx Variant Classification Process June 2021. Collection method: clinical testing. Allele origin: germline.
Comment: Reported in three asymptomatic relatives in a study of MYBPC3 variant carriers; however, the probands clinical information was not provided (PMID: 20019025); Not observed at significant frequency in large population cohorts (gnomAD); In silico analysis supports that this missense variant has a deleterious effect on protein structure/function; This variant is associated with the following publications: (PMID: 20019025)

Labcorp Genetics (formerly Invitae), Labcorp
Classification: Uncertain significance for Hypertrophic cardiomyopathy. Last evaluated: 2022-07-25. Review status: criteria provided, single submitter. Criteria: Invitae Variant Classification Sherloc (09022015). Collection method: clinical testing. Allele origin: germline.
Comment: In summary, the available evidence is currently insufficient to determine the role of this variant in disease. Therefore, it has been classified as a Variant of Uncertain Significance. Algorithms developed to predict the effect of missense changes on protein structure and function (SIFT, PolyPhen-2, Align-GVGD) all suggest that this variant is likely to be disruptive. ClinVar contains an entry for this variant (Variation ID: 1303021). This variant has not been reported in the literature in individuals affected with MYBPC3-related conditions. This variant is not present in population databases (gnomAD no frequency). This sequence change replaces glutamic acid, which is acidic and polar, with glycine, which is neutral and non-polar, at codon 1111 of the MYBPC3 protein (p.Glu1111Gly).